The following is an entry in ClinVar:

NM_001723.7(DST):c.7040G>T (p.Gly2347Val)

Gene: DST (dystonin; minus strand). Cytogenetic location: 6p12.1.
Variant type: single nucleotide variant.
Coding change: c.7040G>T on transcript NM_001723.7 (MANE Plus Clinical); coding-DNA position 7040, G replaced by T.
Protein change: p.Gly2347Val; replaces glycine 2347 with valine.
Molecular consequence: missense variant. On other transcripts: intron variant (10).
Genome position (GRCh38, 1-based): chr6:56,616,427, C>A on the plus strand (G>T on the coding strand, the complement: DST is on the minus strand). VCF-style: chr6-56616427-C-A. GRCh37 (hg19) VCF-style: chr6-56481225-C-A.
Other names: c.4831-1943G>T (NM_001144769.5); c.4930-1943G>T (NM_001374722.1, NM_001374736.1); c.4957-1943G>T (NM_001374734.1); c.4417-1943G>T (NM_001144770.2); c.4297-1943G>T (NM_001374730.1, NM_001386100.1, NM_183380.4 and 1 more transcripts); c.3319-1943G>T (NM_015548.5); short protein forms G2347V.
Identifiers: ClinVar variation 851746 (VCV000851746.8), dbSNP rs770704114, ClinGen allele CA139207641.
Genomic context (GRCh38, chr6:56,616,427, plus strand): 5'-AGATATATACTTTTCTCAATCAGGTTTCTCTGGAAAGCCTCATACACGGTCAATTCTGAT[C>A]CTGTTTTAGTATCTACTACAGAAATTCTATGTGTTTTCTTGACATTGAGATTGGAAATGT-3'
Protein context (NP_001714.1, residues 2337-2357): HRISVVDTKT[Gly2347Val]SELTVYEAFQ

ClinVar aggregate classification (germline): Uncertain significance (1 of 4 stars; one submission).

Conditions:
Hereditary sensory and autonomic neuropathy type 6. Also called: HSAN VI; Neuropathy, hereditary sensory and autonomic, type VI. Identifiers: Orphanet 314381, MedGen C3539003, MONDO:0013839, OMIM 614653.
Epidermolysis bullosa simplex 3, localized or generalized intermediate, with BP230 deficiency (EBS3). Also called: Epidermolysis bullosa simplex, autosomal recessive 2; Epidermolysis bullosa simplex due to BP230 deficiency. Identifiers: Orphanet 412181, MedGen C3809470, MONDO:0014180, OMIM 615425.

Allele frequency attached by ClinVar (database versions not stated): TOPMed below 0.00001; gnomAD exomes 0.00002 and 0.00003.

Submission:

Labcorp Genetics (formerly Invitae), Labcorp
Classification: Uncertain significance for Epidermolysis bullosa simplex 3, localized or generalized intermediate, with BP230 deficiency; Hereditary sensory and autonomic neuropathy type 6. Last evaluated: 2019-11-20. Review status: criteria provided, single submitter. Criteria: Invitae Variant Classification Sherloc (09022015). Collection method: clinical testing. Allele origin: germline.
Comment: In summary, the available evidence is currently insufficient to determine the role of this variant in disease. Therefore, it has been classified as a Variant of Uncertain Significance. Algorithms developed to predict the effect of missense changes on protein structure and function (SIFT, PolyPhen-2, Align-GVGD) all suggest that this variant is likely to be disruptive, but these predictions have not been confirmed by published functional studies and their clinical significance is uncertain. This variant has not been reported in the literature in individuals with DST-related conditions. This variant is not present in population databases (ExAC no frequency). This sequence change replaces glycine with valine at codon 2347 of the DST protein (p.Gly2347Val). The glycine residue is highly conserved and there is a moderate physicochemical difference between glycine and valine.